The following is an entry in ClinVar:

NM_001728.4(BSG):c.87G>A (p.Pro29=)

Gene: BSG (basigin (Ok blood group); plus strand). Cytogenetic location: 19p13.3.
Variant type: single nucleotide variant.
Coding change: c.87G>A on transcript NM_001728.4 (MANE Select); coding-DNA position 87, G replaced by A.
Protein change: p.Pro29=; no amino-acid change (proline 29 retained).
Molecular consequence: synonymous variant. On other transcripts: intron variant (4).
Genome position (GRCh38, 1-based): chr19:577,793, G>A. VCF-style: chr19-577793-G-A. GRCh37 (hg19) VCF-style: chr19-577793-G-A.
Other names: c.-212-1707G>A (NM_198590.3); c.-55-2586G>A (NM_198591.4); c.68-1707G>A (NM_198589.3, NM_001322243.2).
Identifiers: ClinVar variation 3045172 (VCV003045172.2), dbSNP rs181004617, ClinGen allele CA9017534.
Genomic context (GRCh38, chr19:577,793, plus strand): 5'-CCCCAGGCACTAACAAGACCCCACGCGTGCTCTCCCCACAGCCGGCTTCGTCCAGGCGCC[G>A]CTGTCCCAGCAGAGGTGGGTGGGGGGCAGTGTGGAGCTGCACTGCGAGGCCGTGGGCAGC-3'
Protein context (NP_001719.2, residues 19-39): ASGAAGFVQA[Pro29=]LSQQRWVGGS

ClinVar aggregate classification (germline): Likely benign (0 of 4 stars; one submission).

Conditions:
BSG-related disorder. Also called: BSG-related condition.

Allele frequency attached by ClinVar (database versions not stated): gnomAD exomes 0.00021; gnomAD 0.00043; 1000 Genomes Project 30x 0.00062; TOPMed 0.00066; 1000 Genomes Project 0.00080; ExAC 0.00120.
gnomAD v4.1: 346 of 1,427,192 alleles (0.024%); highest among the groups gnomAD compares: Middle Eastern, 0.28%; 1 homozygote.

Submission:

PreventionGenetics, part of Exact Sciences
Classification: Likely benign for BSG-related condition. Last evaluated: 2019-02-21. Review status: no assertion criteria provided. Collection method: clinical testing. Allele origin: germline.
Comment: This variant is classified as likely benign based on ACMG/AMP sequence variant interpretation guidelines (Richards et al. 2015 PMID: 25741868, with internal and published modifications).